The following is an entry in ClinVar:

ClinVar aggregate classification (germline): Uncertain significance (1 of 4 stars; one submission).

Submission:

Labcorp Genetics (formerly Invitae), Labcorp
Classification: Uncertain significance. Last evaluated: 2022-10-03. Review status: criteria provided, single submitter. Criteria: Invitae Variant Classification Sherloc (09022015). Collection method: clinical testing. Allele origin: germline.
Comment: In summary, the available evidence is currently insufficient to determine the role of this variant in disease. Therefore, it has been classified as a Variant of Uncertain Significance. Algorithms developed to predict the effect of missense changes on protein structure and function are either unavailable or do not agree on the potential impact of this missense change (SIFT: "Deleterious"; PolyPhen-2: "Benign"; Align-GVGD: "Class C35"). This variant has not been reported in the literature in individuals affected with CLCN6-related conditions. This variant is not present in population databases (gnomAD no frequency). This sequence change replaces glutamic acid, which is acidic and polar, with aspartic acid, which is acidic and polar, at codon 591 of the CLCN6 protein (p.Glu591Asp).

NM_001286.5(CLCN6):c.1773G>C (p.Glu591Asp)

Gene: CLCN6 (chloride voltage-gated channel 6; plus strand). Cytogenetic location: 1p36.22.
Variant type: single nucleotide variant.
Coding change: c.1773G>C on transcript NM_001286.5 (MANE Select); coding-DNA position 1773, G replaced by C.
Protein change: p.Glu591Asp; replaces glutamic acid 591 with aspartic acid.
Molecular consequence: missense variant. On other transcripts: non-coding transcript variant (1).
Genome position (GRCh38, 1-based): chr1:11,834,570, G>C. VCF-style: chr1-11834570-G-C. GRCh37 (hg19) VCF-style: chr1-11894627-G-C.
Other names: c.1707G>C, p.Glu569Asp (NM_001256959.2); short protein forms E569D, E591D.
Identifiers: ClinVar variation 1720921 (VCV001720921.5), dbSNP rs2100654176, ClinGen allele CA338436253.